The following is an entry in ClinVar:

NM_002834.5(PTPN11):c.923A>C (p.Asn308Thr)

Gene: PTPN11 (protein tyrosine phosphatase non-receptor type 11; plus strand). Cytogenetic location: 12q24.13.
Variant type: single nucleotide variant.
Coding change: c.923A>C on transcript NM_002834.5 (MANE Select); coding-DNA position 923, A replaced by C.
Protein change: p.Asn308Thr; replaces asparagine 308 with threonine.
Molecular consequence: missense variant.
Genome position (GRCh38, 1-based): chr12:112,477,720, A>C. VCF-style: chr12-112477720-A-C. GRCh37 (hg19) VCF-style: chr12-112915524-A-C.
Other names: p.N308T:AAT>ACT; c.923A>C, p.Asn308Thr (NM_001330437.2, NM_080601.3); c.920A>C, p.Asn307Thr (NM_001374625.1); c.923A>C (NM_002834.4); short protein forms N308T, N307T.
Identifiers: ClinVar variation 40535 (VCV000040535.63), dbSNP rs121918455, ClinGen allele CA261607.

ClinVar aggregate classification (germline): Pathogenic/Likely pathogenic. Review status: criteria provided, multiple submitters, no conflicts (2 of 4 stars). 15 submissions from 15 submitters: Pathogenic (13); Likely pathogenic (1). 1 of the submissions does not count toward it. Last evaluated 2024-08-05.

Conditions:
PTPN11-related disorder. Also called: PTPN11-Related Disorders.
Noonan syndrome and Noonan-related syndrome. Identifiers: Orphanet 98733, MedGen C5681679, MONDO:0020297.
LEOPARD syndrome 1 (LPRD1). Also called: LENTIGINOSIS, CARDIOMYOPATHIC; MULTIPLE LENTIGINES SYNDROME; PTPN11-Related LEOPARD Syndrome. Identifiers: Orphanet 500, MedGen C4551484, MONDO:0100082, OMIM 151100.
RASopathy. Also called: rasopathies; Noonan spectrum disorder. Identifiers: Orphanet 536391, MedGen C5555857, MONDO:0021060.
Noonan syndrome (NS). Also called: Noonan's syndrome. Identifiers: Orphanet 648, MedGen C0028326, MeSH D009634, MONDO:0018997. Disease mechanism: gain of function.
Noonan syndrome 1 (NS1). Also called: FEMALE PSEUDO-TURNER SYNDROME; PTPN11-Related Noonan Syndrome; TURNER PHENOTYPE WITH NORMAL KARYOTYPE. Identifiers: Orphanet 648, MedGen C4551602, MONDO:0008104, OMIM 163950. Disease mechanism: gain of function.
Cardiovascular phenotype. Identifiers: MedGen CN230736.
Metachondromatosis (METCDS). Identifiers: Orphanet 2499, MedGen C0410530, MONDO:0007979, OMIM 156250.
Juvenile myelomonocytic leukemia (JMML). Also called: LEUKEMIA, JUVENILE MYELOMONOCYTIC, SOMATIC. Identifiers: Orphanet 86834, MedGen C0349639, MONDO:0011908, OMIM 607785, HP:0012209.

Submissions 1 to 11 of 15:

Institute of Medical Genetics and Applied Genomics, University Hospital Tübingen
Classification: Pathogenic for Noonan syndrome 1. Last evaluated: 2024-08-05. Review status: criteria provided, single submitter. Criteria: ACMG Guidelines, 2015. Collection method: clinical testing. Allele origin: de novo. Inheritance: Autosomal dominant inheritance. Affected: yes.

CeGaT Center for Human Genetics Tuebingen
Classification: Pathogenic. Last evaluated: 2023-10-01. Review status: criteria provided, single submitter. Criteria: CeGaT Center For Human Genetics Tuebingen Variant Classification Criteria Version 2. Collection method: clinical testing. Allele origin: germline. Affected: yes. Observed: 1 variant allele.
Comment: PTPN11: PS2, PM2, PM5, PP3, PS4:Supporting

Mayo Clinic Laboratories, Mayo Clinic
Classification: Pathogenic. Last evaluated: 2023-04-14. Review status: criteria provided, single submitter. Criteria: ACMG Guidelines, 2015. Collection method: clinical testing. Allele origin: germline. Observed: 4 variant alleles.
Comment: PP2, PP3, PM1, PM2_supporting, PS2, PS4

Fulgent Genetics
Classification: Pathogenic for LEOPARD syndrome 1; Metachondromatosis; Noonan syndrome 1; Juvenile myelomonocytic leukemia. Last evaluated: 2022-03-14. Review status: criteria provided, single submitter. Criteria: ACMG Guidelines, 2015. Collection method: clinical testing. Allele origin: unknown.

Labcorp Genetics (formerly Invitae), Labcorp
Classification: Pathogenic for RASopathy. Last evaluated: 2022-01-15. Review status: criteria provided, single submitter. Criteria: Invitae Variant Classification Sherloc (09022015). Collection method: clinical testing. Allele origin: germline.
Comment: For these reasons, this variant has been classified as Pathogenic. This variant disrupts the p.Asn308 amino acid residue in PTPN11. Other variant(s) that disrupt this residue have been determined to be pathogenic (PMID: 11992261, 19077116, 21340158; s16358218). This suggests that this residue is clinically significant, and that variants that disrupt this residue are likely to be disease-causing. Advanced modeling of protein sequence and biophysical properties (such as structural, functional, and spatial information, amino acid conservation, physicochemical variation, residue mobility, and thermodynamic stability) performed at Invitae indicates that this missense variant is expected to disrupt PTPN11 protein function. ClinVar contains an entry for this variant (Variation ID: 40535). This missense change has been observed in individual(s) with clinical features of Noonan syndrome (PMID: 28921562, 28991257). In at least one individual the variant was observed to be de novo. This variant is not present in population databases (gnomAD no frequency). This sequence change replaces asparagine, which is neutral and polar, with threonine, which is neutral and polar, at codon 308 of the PTPN11 protein (p.Asn308Thr).

Centre of Medical Genetics, University Hospital Muenster
Classification: Pathogenic. Last evaluated: 2021-12-20. Review status: criteria provided, single submitter. Criteria: ACMG Guidelines, 2015. Collection method: clinical testing. Allele origin: unknown. Affected: yes. Observed: 1 variant allele, 1 heterozygote.
Comment: ACMG categories: PS1,PM2,PM7,PP3,PP5

GeneDx
Classification: Pathogenic. Last evaluated: 2021-12-15. Review status: criteria provided, single submitter. Criteria: GeneDx Variant Classification Process June 2021. Collection method: clinical testing. Allele origin: germline. Affected: yes.
Comment: Identified in patients with cystic hygroma and other abnormal ultrasound findings in published literature (Wilbe et al., 2017; Lee et al., 2009); Not observed in large population cohorts (gnomAD); In silico analysis supports that this missense variant has a deleterious effect on protein structure/function; Missense variants in this gene are often considered pathogenic (HGMD); This variant is associated with the following publications: (PMID: 18759865, 29057136, 15001945, 24803665, 28921562, 28991257, 19077116, 33318624, 32978145, 32368696, 11992261, 9491886, 16053901, 29493581)

Women's Health and Genetics/Laboratory Corporation of America, LabCorp
Classification: Pathogenic for Rasopathy. Last evaluated: 2019-10-22. Review status: criteria provided, single submitter. Criteria: LabCorp Variant Classification Summary - May 2015. Collection method: clinical testing. Allele origin: germline.
Comment: Variant summary: PTPN11 c.923A>C (p.Asn308Thr) results in a non-conservative amino acid change located in the PTP type protein phosphatase (IPR000242) of the encoded protein sequence. Five of five in-silico tools predict a damaging effect of the variant on protein function. The variant was absent in 251440 control chromosomes (gnomAD). c.923A>C has been reported in the literature in multiple individuals affected with Noonan Syndrome and Related Conditions (e.g. Tartaglia_2006, Lee_2008, Pierpont_2009, Wilbe_2017). These data indicate that the variant is very likely to be associated with disease. In addition, other variants at the same codon have been reported to be associated with Noonan Syndrome, indicating it as a hotspot. Two clinical diagnostic laboratories have submitted clinical-significance assessments for this variant to ClinVar after 2014 and cited the variant as pathogenic. Based on the evidence outlined above, the variant was classified as pathogenic.

Genome Diagnostics Laboratory, The Hospital for Sick Children
Classification: Likely pathogenic for Noonan syndrome and Noonan-related syndrome. Last evaluated: 2016-12-12. Review status: criteria provided, single submitter. Criteria: ACMG Guidelines, 2015. Collection method: clinical testing. Allele origin: germline. Affected: yes.

Laboratory for Molecular Medicine, Mass General Brigham Personalized Medicine
Classification: Pathogenic for Noonan syndrome. Last evaluated: 2016-09-12. Review status: criteria provided, single submitter. Criteria: LMM Criteria. Collection method: clinical testing. Allele origin: germline. Observed: 4 variant alleles.
Comment: The p.Asn308Thr variant has been reported in 7 individuals with clinical feature s of Noonan syndrome (Tartaglia 2006, Pierpont 2009, LMM data) and was absent fr om large population studies. Computational prediction tools and conservation ana lysis suggest that this variant may impact the protein, though this information is not predictive enough to determine pathogenicity. In addition, two amino aci d changes at this position (p.Asn308Ser, p.Asn308Asp) are well established patho genic variants for Noonan syndrome further suggesting that a change at this posi tion may not be tolerated. In summary, this variant meets our criteria to be cla ssified as pathogenic for Noonan syndrome in an autosomal dominant manner based upon frequency in probands and absence from controls.

Ambry Genetics
Classification: Pathogenic for Cardiovascular phenotype. Last evaluated: 2015-09-13. Review status: criteria provided, single submitter. Criteria: Ambry Variant Classification Scheme 2023. Collection method: clinical testing. Allele origin: germline.
Comment: The p.N308T pathogenic mutation (also known as c.923A>C), located in coding exon 8 of the PTPN11 gene, results from an A to C substitution at nucleotide position 923. The asparagine at codon 308 is replaced by threonine, an amino acid with similar properties. In one study, this mutation was detected in an individual with a clinical diagnosis of Noonan syndrome (Pierpont EI, et al. Genes Brain Behav. 2009;8(3):275-82). This mutation was also described in two individuals who likely had clinical diagnoses of either Noonan syndrome or Leigus syndrome; however, clinical diagnoses were not confirmed (Tartaglia M et al. Am J Hum Genet. 2006; 78(2):279-290). The Asn308 residue has been presented as a mutational hot spot, and two different mutations located in this same residue, p.N308S and p.N308D, have been described in multiple individuals with Noonan syndrome (Qiu W, et al. BMC Struct. Biol. 2014;14():10); Tartaglia M, et al. Nat. Genet. 2001;29(4):465-8; Zenker M, et al. J. Pediatr. 2004;144(3):368-74). Based on the supporting evidence, p.N308T is interpreted as a disease-causing mutation.